The following is an entry in ClinVar:

ClinVar aggregate classification (germline): Pathogenic (1 of 4 stars; one submission).

Submission:

Labcorp Genetics (formerly Invitae), Labcorp
Classification: Pathogenic. Last evaluated: 2023-07-09. Review status: criteria provided, single submitter. Criteria: Invitae Variant Classification Sherloc (09022015). Collection method: clinical testing. Allele origin: germline.
Comment: For these reasons, this variant has been classified as Pathogenic. Algorithms developed to predict the effect of sequence changes on RNA splicing suggest that this variant may disrupt the consensus splice site. This variant has not been reported in the literature in individuals affected with SCLT1-related conditions. This variant is not present in population databases (gnomAD no frequency). This sequence change creates a premature translational stop signal (p.Gln393*) in the SCLT1 gene. It is expected to result in an absent or disrupted protein product. Loss-of-function variants in SCLT1 are known to be pathogenic (PMID: 28005958).

Literature cited by the submitters: PubMed 28005958.

NM_144643.4(SCLT1):c.1177C>T (p.Gln393Ter)

Gene: SCLT1 (sodium channel and clathrin linker 1; minus strand). Cytogenetic location: 4q28.2.
Variant type: single nucleotide variant.
Coding change: c.1177C>T on transcript NM_144643.4 (MANE Select); coding-DNA position 1177, C replaced by T.
Protein change: p.Gln393Ter; replaces glutamine 393 with a stop codon.
Molecular consequence: nonsense.
Genome position (GRCh38, 1-based): chr4:128,952,810, G>A on the plus strand (C>T on the coding strand, the complement: SCLT1 is on the minus strand). VCF-style: chr4-128952810-G-A. GRCh37 (hg19) VCF-style: chr4-129873965-G-A.
Other names: c.1177C>T, p.Gln393Ter (NM_001410807.1); short protein forms Q393*.
Identifiers: ClinVar variation 2740008 (VCV002740008.3), dbSNP rs2530403226, ClinGen allele CA358188061.